The following is an entry in ClinVar:

NM_001346754.2(PIGW):c.281T>A (p.Leu94Ter)

Genes: MYO19 (myosin XIX; minus strand), PIGW (phosphatidylinositol glycan anchor biosynthesis class W; plus strand). Cytogenetic location: 17q12.
Variant type: single nucleotide variant.
Coding change: c.281T>A on transcript NM_001346754.2 (MANE Select); coding-DNA position 281, T replaced by A.
Protein change: p.Leu94Ter; replaces leucine 94 with a stop codon.
Molecular consequence: nonsense.
Genome position (GRCh38, 1-based): chr17:36,537,382, T>A. VCF-style: chr17-36537382-T-A. GRCh37 (hg19) VCF-style: chr17-34893231-T-A.
Other names: c.281T>A, p.Leu94Ter (NM_001346755.2, NM_178517.5); c.281T>A (NM_178517.3); short protein forms L94*.
Identifiers: ClinVar variation 445649 (VCV000445649.9), dbSNP rs770634248, ClinGen allele CA290115831.

ClinVar aggregate classification (germline): Conflicting classifications of pathogenicity. Review status: criteria provided, conflicting classifications (1 of 4 stars). 2 submissions from 2 submitters: Likely pathogenic (1); Uncertain significance (1). Last evaluated 2025-05-13.

Conditions:
Hyperphosphatasia with intellectual disability syndrome 5 (GPIBD11). Also called: GLYCOSYLPHOSPHATIDYLINOSITOL BIOSYNTHESIS DEFECT 11. Identifiers: Orphanet 247262, MedGen C4014958, MONDO:0014457, OMIM 616025.

Allele frequency attached by ClinVar (database versions not stated): gnomAD exomes 0.00002 and 0.00001; TOPMed 0.00002; gnomAD 0.00003 and 0.00004; ExAC 0.00002.
gnomAD v4.1: 26 of 1,613,922 alleles (0.0016%); highest among the groups gnomAD compares: African/African-American, 0.0027%; no homozygotes.

Submissions (2):

Labcorp Genetics (formerly Invitae), Labcorp
Classification: Uncertain significance for Hyperphosphatasia with intellectual disability syndrome 5. Last evaluated: 2025-05-13. Review status: criteria provided, single submitter. Criteria: Invitae Variant Classification Sherloc (09022015). Collection method: clinical testing. Allele origin: germline.
Comment: This sequence change creates a premature translational stop signal (p.Leu94*) in the PIGW gene. While this is not anticipated to result in nonsense mediated decay, it is expected to disrupt the last 411 amino acid(s) of the PIGW protein. This variant is present in population databases (rs770634248, gnomAD 0.008%). This variant has not been reported in the literature in individuals affected with PIGW-related conditions. ClinVar contains an entry for this variant (Variation ID: 445649). Experimental studies and prediction algorithms are not available or were not evaluated, and the functional significance of this variant is currently unknown. In summary, the available evidence is currently insufficient to determine the role of this variant in disease. Therefore, it has been classified as a Variant of Uncertain Significance.

Center for Pediatric Genomic Medicine, Children's Mercy Hospital and Clinics
Classification: Likely pathogenic. Last evaluated: 2017-03-20. Review status: criteria provided, single submitter. Criteria: ACMG Guidelines, 2015. Collection method: clinical testing. Allele origin: germline.